The following is an entry in ClinVar:

ClinVar aggregate classification (germline): Uncertain significance. Review status: criteria provided, multiple submitters, no conflicts (2 of 4 stars). 2 submissions from 2 submitters: Uncertain significance (2). Last evaluated 2023-10-16.

Conditions:
Inborn genetic diseases. Identifiers: MedGen C0950123, MeSH D030342.
MOGS-congenital disorder of glycosylation. Also called: GLUCOSIDASE I DEFICIENCY; MOGS-CDG; CDG IIb; CDG 2B. Identifiers: Orphanet 79330, MedGen C1853736, MONDO:0011629, OMIM 606056.

Submissions (2):

Ambry Genetics
Classification: Uncertain significance for Inborn genetic diseases. Last evaluated: 2023-10-16. Review status: criteria provided, single submitter. Criteria: Ambry Variant Classification Scheme 2023. Collection method: clinical testing. Allele origin: germline.

Labcorp Genetics (formerly Invitae), Labcorp
Classification: Uncertain significance for MOGS-congenital disorder of glycosylation. Last evaluated: 2022-07-06. Review status: criteria provided, single submitter. Criteria: Invitae Variant Classification Sherloc (09022015). Collection method: clinical testing. Allele origin: germline.
Comment: This variant has not been reported in the literature in individuals affected with MOGS-related conditions. In summary, the available evidence is currently insufficient to determine the role of this variant in disease. Therefore, it has been classified as a Variant of Uncertain Significance. Algorithms developed to predict the effect of missense changes on protein structure and function (SIFT, PolyPhen-2, Align-GVGD) all suggest that this variant is likely to be tolerated. ClinVar contains an entry for this variant (Variation ID: 1368849). This variant is present in population databases (rs548283434, gnomAD 0.02%). This sequence change replaces proline, which is neutral and non-polar, with alanine, which is neutral and non-polar, at codon 294 of the MOGS protein (p.Pro294Ala).

NM_006302.3(MOGS):c.880C>G (p.Pro294Ala)

Gene: MOGS (mannosyl-oligosaccharide glucosidase; minus strand). Cytogenetic location: 2p13.1.
Variant type: single nucleotide variant.
Coding change: c.880C>G on transcript NM_006302.3 (MANE Select); coding-DNA position 880, C replaced by G.
Protein change: p.Pro294Ala; replaces proline 294 with alanine.
Molecular consequence: missense variant.
Genome position (GRCh38, 1-based): chr2:74,462,909, G>C on the plus strand (C>G on the coding strand, the complement: MOGS is on the minus strand). VCF-style: chr2-74462909-G-C. GRCh37 (hg19) VCF-style: chr2-74690036-G-C.
Other names: c.562C>G, p.Pro188Ala (NM_001146158.2); c.880C>G (NM_006302.2); short protein forms P294A, P188A.
Identifiers: ClinVar variation 1368849 (VCV001368849.9), dbSNP rs548283434, ClinGen allele CA1724896.
Genomic context (GRCh38, chr2:74,462,909, plus strand): 5'-GCCCACTTGGACCTCTGTCCTCCCACTTCAGGGATCCTGGCAAGCCGAGGTAGCGTTCAG[G>C]GGGGGCCCCTGGGGGCCGATGCTGAAACCAGCTATTTAGGCGACTCTTTACCATCTCTGT-3'
Protein context (NP_006293.2, residues 284-304): WFQHRPPGAP[Pro294Ala]ERYLGLPGSL